The following is an entry in ClinVar:

NM_033641.4(COL4A6):c.410C>T (p.Pro137Leu)

Gene: COL4A6 (collagen type IV alpha 6 chain; minus strand). Cytogenetic location: Xq22.3.
Variant type: single nucleotide variant.
Coding change: c.410C>T on transcript NM_033641.4 (MANE Select); coding-DNA position 410, C replaced by T.
Protein change: p.Pro137Leu; replaces proline 137 with leucine.
Molecular consequence: missense variant.
Genome position (GRCh38, 1-based): chrX:108,214,143, G>A on the plus strand (C>T on the coding strand, the complement: COL4A6 is on the minus strand). VCF-style: chrX-108214143-G-A. GRCh37 (hg19) VCF-style: chrX-107457373-G-A.
Other names: c.410C>T, p.Pro137Leu (NM_001287758.2, NM_001287759.2, NM_001287760.2 and 1 more transcripts); c.413C>T, p.Pro138Leu (NM_001440759.1, NM_001847.4); short protein forms P137L, P138L.
Identifiers: ClinVar variation 4999192 (VCV004999192.1).
Genomic context (GRCh38, chrX:108,214,143, plus strand): 5'-AAATAAAATGCAAATATCTGGCAGCATACGGGTGGTCCGAGAAGCCCAGGATAGCCATCA[G>A]GGCCTGGAAATCCAACAGCTCCTTGAGTTCCATTACAGCCATCCAGACCAGGTGGGCCTC-3'
Protein context (NP_378667.1, residues 127-147): GTQGAVGFPG[Pro137Leu]DGYPGLLGPP

ClinVar aggregate classification (germline): Uncertain significance (1 of 4 stars; one submission).

Conditions:
COL4A6-related disorder. Also called: COL4A6-related condition.

gnomAD v4.1: 1 of 1,209,738 alleles (0.000083%); highest among the groups gnomAD compares: South Asian, 0.0018%; no homozygotes.

Submission:

PreventionGenetics, part of Exact Sciences
Classification: Uncertain significance for COL4A6-related condition. Last evaluated: 2026-05-29. Review status: criteria provided, single submitter. Criteria: ACMG Guidelines, 2015. Collection method: clinical testing. Allele origin: germline.
Comment: The COL4A6 c.413C>T variant is predicted to result in the amino acid substitution p.Pro138Leu. To our knowledge, this variant has not been reported in the literature or in a large population database (gnomAD), indicating this variant is rare. At this time, the clinical significance of this variant is uncertain due to the absence of conclusive functional and genetic evidence.